The following is an entry in ClinVar:

NM_014317.5(PDSS1):c.162+4A>G

Gene: PDSS1 (decaprenyl diphosphate synthase subunit 1; plus strand). Cytogenetic location: 10p12.1.
Variant type: single nucleotide variant.
Coding change: c.162+4A>G on transcript NM_014317.5 (MANE Select); 4 bases into the intron after coding-DNA position 162, A replaced by G.
Molecular consequence: intron variant.
Genome position (GRCh38, 1-based): chr10:26,702,198, A>G. VCF-style: chr10-26702198-A-G. GRCh37 (hg19) VCF-style: chr10-26991127-A-G.
Other names: c.-432+4A>G (NM_001321979.2); c.162+4A>G (NM_001321978.2).
Identifiers: ClinVar variation 1975660 (VCV001975660.3), dbSNP rs1835074348, ClinGen allele CA1898176967.

ClinVar aggregate classification (germline): Uncertain significance (1 of 4 stars; one submission).

Allele frequency attached by ClinVar (database versions not stated): TOPMed below 0.00001.

Submission:

Labcorp Genetics (formerly Invitae), Labcorp
Classification: Uncertain significance. Last evaluated: 2022-04-09. Review status: criteria provided, single submitter. Criteria: Invitae Variant Classification Sherloc (09022015). Collection method: clinical testing. Allele origin: germline.
Comment: In summary, the available evidence is currently insufficient to determine the role of this variant in disease. Therefore, it has been classified as a Variant of Uncertain Significance. Variants that disrupt the consensus splice site are a relatively common cause of aberrant splicing (PMID: 17576681, 9536098). Algorithms developed to predict the effect of sequence changes on RNA splicing suggest that this variant is not likely to affect RNA splicing. This variant has not been reported in the literature in individuals affected with PDSS1-related conditions. This variant is not present in population databases (gnomAD no frequency). This sequence change falls in intron 2 of the PDSS1 gene. It does not directly change the encoded amino acid sequence of the PDSS1 protein. It affects a nucleotide within the consensus splice site.

Literature cited by the submitters: PubMed 17576681; PubMed 9536098.